The following is an entry in ClinVar:

NM_000256.3(MYBPC3):c.3053A>T (p.Glu1018Val)

Gene: MYBPC3 (myosin binding protein C3; minus strand). Cytogenetic location: 11p11.2.
Variant type: single nucleotide variant.
Coding change: c.3053A>T on transcript NM_000256.3 (MANE Select); coding-DNA position 3053, A replaced by T.
Protein change: p.Glu1018Val; replaces glutamic acid 1018 with valine.
Molecular consequence: missense variant.
Genome position (GRCh38, 1-based): chr11:47,333,694, T>A on the plus strand (A>T on the coding strand, the complement: MYBPC3 is on the minus strand). VCF-style: chr11-47333694-T-A. GRCh37 (hg19) VCF-style: chr11-47355245-T-A.
Other names: short protein forms E1018V.
Identifiers: ClinVar variation 3387100 (VCV003387100.1).

ClinVar aggregate classification (germline): Uncertain significance (1 of 4 stars; one submission).

Conditions:
Hypertrophic cardiomyopathy. Also called: HYPERTROPHIC MYOCARDIOPATHY. Identifiers: Orphanet 217569, MedGen C0007194, MeSH D002312, MONDO:0005045, HP:0001639.

Submission:

All of Us Research Program, National Institutes of Health
Classification: Uncertain significance for Hypertrophic cardiomyopathy. Last evaluated: 2024-04-16. Review status: criteria provided, single submitter. Criteria: ACMG Guidelines, 2015. Collection method: clinical testing. Allele origin: germline. Inheritance: Autosomal dominant inheritance. Observed: 1 variant allele, 1 heterozygote.
Comment: This missense variant replaces glutamic acid with valine at codon 1018 of the MYBPC3 protein. Computational prediction suggests that this variant may not impact protein structure and function (internally defined REVEL score threshold <= 0.5, PMID: 27666373). To our knowledge, functional studies have not been reported for this variant. This variant has not been reported in individuals affected with MYBPC3-related disorders in the literature. This variant has not been identified in the general population by the Genome Aggregation Database (gnomAD). The available evidence is insufficient to determine the role of this variant in disease conclusively. Therefore, this variant is classified as a Variant of Uncertain Significance.

This study involves interpretation of variants in research participants for the purpose of population health screening. Participant phenotype was not available at the time of variant classification. Additional details can be found in publication PMID: 35346344, PMCID: PMC8962531